The following is an entry in ClinVar:

NM_013275.6(ANKRD11):c.1843G>A (p.Ala615Thr)

Gene: ANKRD11 (ankyrin repeat domain 11; minus strand). Cytogenetic location: 16q24.3.
Variant type: single nucleotide variant.
Coding change: c.1843G>A on transcript NM_013275.6 (MANE Select); coding-DNA position 1843, G replaced by A.
Protein change: p.Ala615Thr; replaces alanine 615 with threonine.
Molecular consequence: missense variant.
Genome position (GRCh38, 1-based): chr16:89,284,699, C>T on the plus strand (G>A on the coding strand, the complement: ANKRD11 is on the minus strand). VCF-style: chr16-89284699-C-T. GRCh37 (hg19) VCF-style: chr16-89351107-C-T.
Other names: c.1843G>A, p.Ala615Thr (NM_001256182.2, NM_001256183.2); short protein forms A615T.
Identifiers: ClinVar variation 1781201 (VCV001781201.33), dbSNP rs776780527, ClinGen allele CA8242678.

ClinVar aggregate classification (germline): Conflicting classifications of pathogenicity. Review status: criteria provided, conflicting classifications (1 of 4 stars). 4 submissions from 4 submitters: Uncertain significance (1); Likely benign (3). Last evaluated 2025-11-12.

Conditions:
Inborn genetic diseases. Identifiers: MedGen C0950123, MeSH D030342.
KBG syndrome (KBGS). Also called: ANKRD11-Related KBG Syndrome. Identifiers: Orphanet 2332, MedGen C0220687, MONDO:0007846, OMIM 148050.

Allele frequency attached by ClinVar (database versions not stated): gnomAD 0.00004; gnomAD exomes 0.00005; ExAC 0.00007; TOPMed 0.00008.
gnomAD v4.1: 74 of 1,613,826 alleles (0.0046%); highest among the groups gnomAD compares: Admixed American, 0.015%; no homozygotes.

Submissions (4):

Labcorp Genetics (formerly Invitae), Labcorp
Classification: Uncertain significance for KBG syndrome. Last evaluated: 2025-11-12. Review status: criteria provided, single submitter. Criteria: Invitae Variant Classification Sherloc (09022015). Collection method: clinical testing. Allele origin: germline.
Comment: This sequence change replaces alanine, which is neutral and non-polar, with threonine, which is neutral and polar, at codon 615 of the ANKRD11 protein (p.Ala615Thr). This variant is present in population databases (rs776780527, gnomAD 0.03%). This variant has not been reported in the literature in individuals affected with ANKRD11-related conditions. ClinVar contains an entry for this variant (Variation ID: 1781201). Invitae Evidence Modeling of protein sequence and biophysical properties (such as structural, functional, and spatial information, amino acid conservation, physicochemical variation, residue mobility, and thermodynamic stability) indicates that this missense variant is not expected to disrupt ANKRD11 protein function with a negative predictive value of 95%. In summary, the available evidence is currently insufficient to determine the role of this variant in disease. Therefore, it has been classified as a Variant of Uncertain Significance.

Ambry Genetics
Classification: Likely benign for Inborn genetic diseases. Last evaluated: 2024-11-23. Review status: criteria provided, single submitter. Criteria: Ambry Variant Classification Scheme 2023. Collection method: clinical testing. Allele origin: germline.

Blueprint Genetics
Classification: Likely benign. Last evaluated: 2024-01-25. Review status: criteria provided, single submitter. Criteria: ACMG Guidelines, 2015. Collection method: clinical testing. Allele origin: germline.

CeGaT Center for Human Genetics Tuebingen
Classification: Likely benign. Last evaluated: 2022-05-01. Review status: criteria provided, single submitter. Criteria: CeGaT Center For Human Genetics Tuebingen Variant Classification Criteria Version 2. Collection method: clinical testing. Allele origin: germline. Affected: yes. Observed: 1 variant allele.
Comment: ANKRD11: BP4